The following is an entry in ClinVar:

ClinVar aggregate classification (germline): Uncertain significance (1 of 4 stars; one submission).

Conditions:
Progressive myoclonic epilepsy. Also called: Familial progressive myoclonic epilepsy; Progressive myoclonus epilepsy; Myoclonic Epilepsies, Progressive; Myoclonus epilepsy. Identifiers: Orphanet 308, Orphanet 98261, MedGen C0751778, MONDO:0020074.

Submission:

Labcorp Genetics (formerly Invitae), Labcorp
Classification: Uncertain significance for Progressive myoclonic epilepsy. Last evaluated: 2020-12-17. Review status: criteria provided, single submitter. Criteria: Invitae Variant Classification Sherloc (09022015). Collection method: clinical testing. Allele origin: germline.
Comment: In summary, the available evidence is currently insufficient to determine the role of this variant in disease. Therefore, it has been classified as a Variant of Uncertain Significance. Algorithms developed to predict the effect of missense changes on protein structure and function (SIFT, PolyPhen-2, Align-GVGD) all suggest that this variant is likely to be tolerated, but these predictions have not been confirmed by published functional studies and their clinical significance is uncertain. This variant has not been reported in the literature in individuals with EPM2A-related conditions. The frequency data for this variant in the population databases is considered unreliable, as metrics indicate insufficient coverage at this position in the ExAC database. This sequence change replaces glutamic acid with lysine at codon 19 of the EPM2A protein (p.Glu19Lys). The glutamic acid residue is moderately conserved and there is a small physicochemical difference between glutamic acid and lysine.

NM_005670.4(EPM2A):c.55G>A (p.Glu19Lys)

Genes: EPM2A (EPM2A glucan phosphatase, laforin; minus strand), EPM2A-DT (EPM2A divergent transcript; plus strand), LOC129997381 (ATAC-STARR-seq lymphoblastoid silent region 17642; plus strand). Cytogenetic location: 6q24.3.
Variant type: single nucleotide variant.
Coding change: c.55G>A on transcript NM_005670.4 (MANE Select); coding-DNA position 55, G replaced by A.
Protein change: p.Glu19Lys; replaces glutamic acid 19 with lysine.
Molecular consequence: missense variant. On other transcripts: 5 prime UTR variant (3), intron variant (1).
Genome position (GRCh38, 1-based): chr6:145,735,444, C>T on the plus strand (G>A on the coding strand, the complement: EPM2A is on the minus strand). VCF-style: chr6-145735444-C-T. GRCh37 (hg19) VCF-style: chr6-146056580-C-T.
Other names: c.55G>A, p.Glu19Lys (NM_001018041.2, NM_001360057.2, NM_001368130.1); c.-615G>A (NM_001360071.2); c.-569G>A (NM_001368129.2); c.-313G>A (NM_001368131.1); c.-114+464G>A (NM_001360064.2); short protein forms E19K.
Identifiers: ClinVar variation 1414714 (VCV001414714.8), dbSNP rs2128649959, ClinGen allele CA366188571.
Genomic context (GRCh38, chr6:145,735,444, plus strand): 5'-GGACGGCACCGCGCGGCTCCCAACGCCCCAGCTCGGGCCGCGACCCCACCACCAGCAGCT[C>T]CGGCCGGGCGCCGGCCACGGCGGGTGGCACCACCACCCCAAAGCGGAAGCGCATGGCGGG-3'
Protein context (NP_005661.1, residues 9-29): VPPAVAGARP[Glu19Lys]LLVVGSRPEL